The following is an entry in ClinVar:

ClinVar aggregate classification (germline): Uncertain significance (1 of 4 stars; one submission).

Conditions:
CEP290-related disorder. Also called: CEP290-related condition; CEP290-related disorders. Identifiers: MedGen CN239314.

Submission:

PreventionGenetics, part of Exact Sciences
Classification: Uncertain significance for CEP290-related condition. Last evaluated: 2026-06-12. Review status: criteria provided, single submitter. Criteria: ACMG Guidelines, 2015. Collection method: clinical testing. Allele origin: germline.
Comment: The CEP290 c.2755A>G variant is predicted to result in the amino acid substitution p.Asn919Asp. To our knowledge, this variant has not been reported in the literature or in a large population database (gnomAD), indicating this variant is rare. At this time, the clinical significance of this variant is uncertain due to the absence of conclusive functional and genetic evidence.

NM_025114.4(CEP290):c.2755A>G (p.Asn919Asp)

Gene: CEP290 (centrosomal protein 290; minus strand). Cytogenetic location: 12q21.32.
Variant type: single nucleotide variant.
Coding change: c.2755A>G on transcript NM_025114.4 (MANE Select); coding-DNA position 2755, A replaced by G.
Protein change: p.Asn919Asp; replaces asparagine 919 with aspartic acid.
Molecular consequence: missense variant.
Genome position (GRCh38, 1-based): chr12:88,106,737, T>C on the plus strand (A>G on the coding strand, the complement: CEP290 is on the minus strand). VCF-style: chr12-88106737-T-C. GRCh37 (hg19) VCF-style: chr12-88500514-T-C.
Other names: short protein forms N919D.
Identifiers: ClinVar variation 4991849 (VCV004991849.1).